The following is an entry in ClinVar:

NM_001330078.2(NRXN1):c.2951A>G (p.Asn984Ser)

Gene: NRXN1 (neurexin 1; minus strand). Cytogenetic location: 2p16.3.
Variant type: single nucleotide variant.
Coding change: c.2951A>G on transcript NM_001330078.2 (MANE Select); coding-DNA position 2951, A replaced by G.
Protein change: p.Asn984Ser; replaces asparagine 984 with serine.
Molecular consequence: missense variant.
Genome position (GRCh38, 1-based): chr2:50,496,024, T>C on the plus strand (A>G on the coding strand, the complement: NRXN1 is on the minus strand). VCF-style: chr2-50496024-T-C. GRCh37 (hg19) VCF-style: chr2-50723162-T-C.
Other names: c.3071A>G, p.Asn1024Ser (NM_001135659.3); c.2927A>G, p.Asn976Ser (NM_001330077.2, NM_001330082.2); c.2885A>G, p.Asn962Ser (NM_001330083.2, NM_001330084.2); c.2924A>G, p.Asn975Ser (NM_001330085.2); c.2951A>G, p.Asn984Ser (NM_001330086.2, NM_004801.6); c.2840A>G, p.Asn947Ser (NM_001330087.2, NM_001330096.2); c.2870A>G, p.Asn957Ser (NM_001330088.2); c.2948A>G, p.Asn983Ser (NM_001330093.2); and 2 more; short protein forms N1024S, N947S, N957S, N962S, N967S, N975S, N976S, N980S.
Identifiers: ClinVar variation 1198368 (VCV001198368.2), dbSNP rs200358905, ClinGen allele CA1654698.

ClinVar aggregate classification (germline): Uncertain significance (1 of 4 stars; one submission).

Allele frequency attached by ClinVar (database versions not stated): gnomAD exomes below 0.00001 and 0.00001; TOPMed 0.00001; ExAC 0.00002.
gnomAD v4.1: 4 of 1,613,470 alleles (0.00025%); highest among the groups gnomAD compares: Non-Finnish European, 0.00025%; no homozygotes.

Submission:

GeneDx
Classification: Uncertain significance. Last evaluated: 2021-05-04. Review status: criteria provided, single submitter. Criteria: GeneDx Variant Classification Process June 2021. Collection method: clinical testing. Allele origin: germline. Affected: yes.
Comment: Not observed at a significant frequency in large population cohorts (Lek et al., 2016); In silico analysis supports that this missense variant has a deleterious effect on protein structure/function; Missense variant in a gene in which most reported pathogenic variants are truncating/loss-of-function; Has not been previously published as pathogenic or benign to our knowledge